The following is an entry in ClinVar:

ClinVar aggregate classification (germline): Conflicting classifications of pathogenicity. Review status: criteria provided, conflicting classifications (1 of 4 stars). 2 submissions from 2 submitters: Uncertain significance (1); Benign (1). Last evaluated 2025-10-30.

Conditions:
Tuberous sclerosis 2 (TSC2). Identifiers: Orphanet 805, MedGen C1860707, MONDO:0013199, OMIM 613254.
Hereditary cancer-predisposing syndrome. Also called: Neoplastic Syndromes, Hereditary; Tumor predisposition; Hereditary Cancer Syndrome; Hereditary neoplastic syndrome. Identifiers: Orphanet 140162, MedGen C0027672, MeSH D009386, MONDO:0015356.

Allele frequency attached by ClinVar (database versions not stated): gnomAD exomes below 0.00001; ExAC 0.00001.

Submissions (2):

Labcorp Genetics (formerly Invitae), Labcorp
Classification: Benign for Tuberous sclerosis 2. Last evaluated: 2025-10-30. Review status: criteria provided, single submitter. Criteria: Invitae Variant Classification Sherloc (09022015). Collection method: clinical testing. Allele origin: germline.

Ambry Genetics
Classification: Uncertain significance for Hereditary cancer-predisposing syndrome. Last evaluated: 2024-04-19. Review status: criteria provided, single submitter. Criteria: Ambry Variant Classification Scheme 2023. Collection method: clinical testing. Allele origin: germline.
Comment: The p.H1726Y variant (also known as c.5176C>T), located in coding exon 40 of the TSC2 gene, results from a C to T substitution at nucleotide position 5176. The histidine at codon 1726 is replaced by tyrosine, an amino acid with similar properties. This amino acid position is highly conserved in available vertebrate species. In addition, this alteration is predicted to be deleterious by in silico analysis. Since supporting evidence is limited at this time, the clinical significance of this alteration remains unclear.

NM_000548.5(TSC2):c.5176C>T (p.His1726Tyr)

Gene: TSC2 (TSC complex subunit 2; plus strand). Cytogenetic location: 16p13.3.
Variant type: single nucleotide variant.
Coding change: c.5176C>T on transcript NM_000548.5 (MANE Select); coding-DNA position 5176, C replaced by T.
Protein change: p.His1726Tyr; replaces histidine 1726 with tyrosine.
Molecular consequence: missense variant.
Genome position (GRCh38, 1-based): chr16:2,088,242, C>T. VCF-style: chr16-2088242-C-T. GRCh37 (hg19) VCF-style: chr16-2138243-C-T.
Other names: c.4975C>T, p.His1659Tyr (NM_001077183.3); c.5107C>T, p.His1703Tyr (NM_001114382.3); c.4867C>T, p.His1623Tyr (NM_001318827.2); c.4831C>T, p.His1611Tyr (NM_001318829.2); c.4444C>T, p.His1482Tyr (NM_001318831.2); c.5008C>T, p.His1670Tyr (NM_001318832.2); c.4978C>T, p.His1660Tyr (NM_001363528.2); c.5044C>T, p.His1682Tyr (NM_001370404.1); and 2 more; short protein forms H1726Y, H1660Y, H1683Y, H1670Y, H1679Y, H1682Y, H1703Y, H1482Y.
Identifiers: ClinVar variation 535931 (VCV000535931.12), dbSNP rs761618860, ClinGen allele CA054330.
Genomic context (GRCh38, chr16:2,088,242, plus strand): 5'-CAGGTGCCACCTGATAGTGAGCTCACCCCCTGCCTACGTCCCCAGATGGCCTCACAGGTG[C>T]ATCATAGCCGCTCCAACCCCACCGATATCTACCCCTCCAAGTGGATTGCCCGGCTCCGCC-3'
Protein context (NP_000539.2, residues 1716-1736): ALHANMASQV[His1726Tyr]HSRSNPTDIY